The following is an entry in ClinVar:

NM_005138.3(SCO2):c.401C>A (p.Pro134His)

Genes: SCO2 (synthesis of cytochrome C oxidase 2; minus strand), NCAPH2 (non-SMC condensin II complex subunit H2; plus strand). Cytogenetic location: 22q13.33.
Variant type: single nucleotide variant.
Coding change: c.401C>A on transcript NM_005138.3 (MANE Select); coding-DNA position 401, C replaced by A.
Protein change: p.Pro134His; replaces proline 134 with histidine.
Molecular consequence: missense variant. On other transcripts: 3 prime UTR variant (2).
Genome position (GRCh38, 1-based): chr22:50,524,011, G>T on the plus strand (C>A on the coding strand, the complement: SCO2 is on the minus strand). VCF-style: chr22-50524011-G-T. GRCh37 (hg19) VCF-style: chr22-50962440-G-T.
Other names: c.*636G>T (NM_001185011.2, NM_152299.4); c.401C>A, p.Pro134His (NM_001169109.2, NM_001169110.1, NM_001169111.2); short protein forms P134H.
Identifiers: ClinVar variation 2085579 (VCV002085579.2), dbSNP rs375058715, ClinGen allele CA10321216.
Genomic context (GRCh38, chr22:50,524,011, plus strand): 5'-TCTGCTTCCAGCTGCCGCACCACCTGCACCAGCTTCTCCAGCTCGTCTGGGCAGATGTCA[G>T]GGCAGTGAGTGAAGCCAAAGTACATCAGCACCCACTGGCCCCGGAAGTCAGCCTTGCAGC-3'
Protein context (NP_005129.2, residues 124-144): VLMYFGFTHC[Pro134His]DICPDELEKL

ClinVar aggregate classification (germline): Uncertain significance. Review status: criteria provided, multiple submitters, no conflicts (2 of 4 stars). 2 submissions from 2 submitters: Uncertain significance (2). Last evaluated 2024-05-20.

Conditions:
Inborn genetic diseases. Identifiers: MedGen C0950123, MeSH D030342.

Allele frequency attached by ClinVar (database versions not stated): ExAC 0.00002; gnomAD 0.00003; TOPMed 0.00003; ESP Exome Variant Server 0.00008.
gnomAD v4.1: 48 of 1,613,294 alleles (0.003%); highest among the groups gnomAD compares: African/African-American, 0.004%; no homozygotes.

Submissions (2):

Ambry Genetics
Classification: Uncertain significance for Inborn genetic diseases. Last evaluated: 2024-05-20. Review status: criteria provided, single submitter. Criteria: Ambry Variant Classification Scheme 2023. Collection method: clinical testing. Allele origin: germline.

Labcorp Genetics (formerly Invitae), Labcorp
Classification: Uncertain significance. Last evaluated: 2022-05-28. Review status: criteria provided, single submitter. Criteria: Invitae Variant Classification Sherloc (09022015). Collection method: clinical testing. Allele origin: germline.
Comment: This sequence change replaces proline, which is neutral and non-polar, with histidine, which is basic and polar, at codon 134 of the SCO2 protein (p.Pro134His). This variant is present in population databases (rs375058715, gnomAD 0.007%). This variant has not been reported in the literature in individuals affected with SCO2-related conditions. Algorithms developed to predict the effect of missense changes on protein structure and function (SIFT, PolyPhen-2, Align-GVGD) all suggest that this variant is likely to be disruptive. In summary, the available evidence is currently insufficient to determine the role of this variant in disease. Therefore, it has been classified as a Variant of Uncertain Significance.